The following is an entry in ClinVar:

ClinVar aggregate classification (germline): Likely benign (1 of 4 stars; one submission).

gnomAD v4.1: 1 of 1,614,100 alleles (0.000062%); highest among the groups gnomAD compares: Non-Finnish European, 0.000085%; no homozygotes.

Submission:

CeGaT Center for Human Genetics Tuebingen
Classification: Likely benign. Last evaluated: 2024-10-01. Review status: criteria provided, single submitter. Criteria: CeGaT Center For Human Genetics Tuebingen Variant Classification Criteria Version 2. Collection method: clinical testing. Allele origin: germline. Affected: yes. Observed: 1 variant allele.
Comment: GNE: BP4, BP7

NM_005476.7(GNE):c.327T>G (p.Val109=)

Gene: GNE (glucosamine (UDP-N-acetyl)-2-epimerase/N-acetylmannosamine kinase; minus strand). Cytogenetic location: 9p13.3.
Variant type: single nucleotide variant.
Coding change: c.327T>G on transcript NM_005476.7 (MANE Select); coding-DNA position 327, T replaced by G.
Protein change: p.Val109=; no amino-acid change (valine 109 retained).
Molecular consequence: synonymous variant.
Genome position (GRCh38, 1-based): chr9:36,246,320, A>C on the plus strand (T>G on the coding strand, the complement: GNE is on the minus strand). VCF-style: chr9-36246320-A-C. GRCh37 (hg19) VCF-style: chr9-36246317-A-C.
Other names: c.420T>G, p.Val140= (NM_001128227.3); c.327T>G, p.Val109= (NM_001190383.3, NM_001374797.1); c.150T>G, p.Val50= (NM_001190384.3, NM_001190388.2, NM_001374798.1).
Identifiers: ClinVar variation 3389218 (VCV003389218.14).